The following is an entry in ClinVar:

NC_000005.9:g.(?_37243095)_(37371079_?)dup

Genes: CPLANE1 (ciliogenesis and planar polarity effector complex subunit 1; minus strand), NUP155 (nucleoporin 155; minus strand). Cytogenetic location: 5p13.2.
Variant type: Duplication.
Identifiers: ClinVar variation 1444988 (VCV001444988.4).

ClinVar aggregate classification (germline): Uncertain significance (1 of 4 stars; one submission).

Submission:

Labcorp Genetics (formerly Invitae), Labcorp
Classification: Uncertain significance. Last evaluated: 2021-12-02. Review status: criteria provided, single submitter. Criteria: Invitae Variant Classification Sherloc (09022015). Collection method: clinical testing. Allele origin: germline.
Comment: This variant results in a copy number gain of the genomic region encompassing exon(s) 1-6 of the CPLANE1 gene. This region includes the initiator codon of the gene. This copy number gain extends beyond the assayed region for this gene and therefore may encompass additional genes. As the precise location of this event is unknown, it may be in tandem or it may be located elsewhere in the genome. This variant has not been reported in the literature in individuals affected with CPLANE1-related conditions. In summary, the available evidence is currently insufficient to determine the role of this variant in disease. Therefore, it has been classified as a Variant of Uncertain Significance.